The following is an entry in ClinVar:

NM_000553.6(WRN):c.2725A>G (p.Arg909Gly)

Gene: WRN (WRN RecQ like helicase; plus strand). Cytogenetic location: 8p12.
Variant type: single nucleotide variant.
Coding change: c.2725A>G on transcript NM_000553.6 (MANE Select); coding-DNA position 2725, A replaced by G.
Protein change: p.Arg909Gly; replaces arginine 909 with glycine.
Molecular consequence: missense variant.
Genome position (GRCh38, 1-based): chr8:31,124,616, A>G. VCF-style: chr8-31124616-A-G. GRCh37 (hg19) VCF-style: chr8-30982132-A-G.
Other names: short protein forms R909G.
Identifiers: ClinVar variation 2420546 (VCV002420546.6), dbSNP rs2535995093, ClinGen allele CA370917132.

ClinVar aggregate classification (germline): Uncertain significance (1 of 4 stars; one submission).

Conditions:
Werner syndrome (WRN). Identifiers: Orphanet 902, MedGen C0043119, MONDO:0010196, OMIM 277700.

Allele frequency attached by ClinVar (database versions not stated): gnomAD exomes below 0.00001.
gnomAD v4.1: 3 of 1,607,672 alleles (0.00019%); highest among the groups gnomAD compares: Non-Finnish European, 0.00026%; no homozygotes.

Submission:

Labcorp Genetics (formerly Invitae), Labcorp
Classification: Uncertain significance for Werner syndrome. Last evaluated: 2022-03-17. Review status: criteria provided, single submitter. Criteria: Invitae Variant Classification Sherloc (09022015). Collection method: clinical testing. Allele origin: germline.
Comment: Algorithms developed to predict the effect of sequence changes on RNA splicing suggest that this variant may create or strengthen a splice site. Algorithms developed to predict the effect of missense changes on protein structure and function are either unavailable or do not agree on the potential impact of this missense change (SIFT: "Not Available"; PolyPhen-2: "Probably Damaging"; Align-GVGD: "Not Available"). This variant has not been reported in the literature in individuals affected with WRN-related conditions. This variant is not present in population databases (gnomAD no frequency). This sequence change replaces arginine, which is basic and polar, with glycine, which is neutral and non-polar, at codon 909 of the WRN protein (p.Arg909Gly). In summary, the available evidence is currently insufficient to determine the role of this variant in disease. Therefore, it has been classified as a Variant of Uncertain Significance.